The following is an entry in ClinVar:

ClinVar aggregate classification (germline): Uncertain significance (1 of 4 stars; one submission).

Conditions:
Neuronopathy, distal hereditary motor, autosomal recessive 4. Also called: NEUROPATHY, DISTAL HEREDITARY MOTOR, AUTOSOMAL RECESSIVE 4; Autosomal recessive lower motor neuron disease with childhood onset. Identifiers: Orphanet 206580, MedGen C1970211, MONDO:0012608, OMIM 611067.
Charcot-Marie-Tooth disease recessive intermediate C. Also called: CHARCOT-MARIE-TOOTH NEUROPATHY, RECESSIVE INTERMEDIATE C. Identifiers: Orphanet 369867, MedGen C3809309, MONDO:0014154, OMIM 615376.

Allele frequency attached by ClinVar (database versions not stated): ExAC 0.00001; gnomAD exomes 0.00001; TOPMed 0.00002.
gnomAD v4.1: 19 of 1,612,244 alleles (0.0012%); highest among the groups gnomAD compares: Non-Finnish European, 0.0014%; no homozygotes.

Submission:

Labcorp Genetics (formerly Invitae), Labcorp
Classification: Uncertain significance for Neuronopathy, distal hereditary motor, autosomal recessive 4; Charcot-Marie-Tooth disease recessive intermediate C. Last evaluated: 2024-11-06. Review status: criteria provided, single submitter. Criteria: Invitae Variant Classification Sherloc (09022015). Collection method: clinical testing. Allele origin: germline.
Comment: This sequence change replaces arginine, which is basic and polar, with glutamine, which is neutral and polar, at codon 356 of the PLEKHG5 protein (p.Arg356Gln). This variant is present in population databases (rs61743372, gnomAD 0.002%). This variant has not been reported in the literature in individuals affected with PLEKHG5-related conditions. ClinVar contains an entry for this variant (Variation ID: 835287). An algorithm developed to predict the effect of missense changes on protein structure and function (PolyPhen-2) suggests that this variant¬¨‚Ä†is likely to be tolerated. Algorithms developed to predict the effect of sequence changes on RNA splicing suggest that this variant may create or strengthen a splice site. In summary, the available evidence is currently insufficient to determine the role of this variant in disease. Therefore, it has been classified as a Variant of Uncertain Significance.

NM_020631.6(PLEKHG5):c.1067G>A (p.Arg356Gln)

Gene: PLEKHG5 (pleckstrin homology and RhoGEF domain containing G5; minus strand). Cytogenetic location: 1p36.31.
Variant type: single nucleotide variant.
Coding change: c.1067G>A on transcript NM_020631.6 (MANE Select); coding-DNA position 1067, G replaced by A.
Protein change: p.Arg356Gln; replaces arginine 356 with glutamine.
Molecular consequence: missense variant.
Genome position (GRCh38, 1-based): chr1:6,472,540, C>T on the plus strand (G>A on the coding strand, the complement: PLEKHG5 is on the minus strand). VCF-style: chr1-6472540-C-T. GRCh37 (hg19) VCF-style: chr1-6532600-C-T.
Other names: c.1178G>A, p.Arg393Gln (NM_001042663.3, NM_001265592.2); c.1067G>A, p.Arg356Gln (NM_001042664.2, NM_001042665.2, NM_001265594.3 and 1 more transcripts); c.1274G>A, p.Arg425Gln (NM_001265593.2); short protein forms R425Q, R356Q, R393Q.
Identifiers: ClinVar variation 835287 (VCV000835287.11), dbSNP rs61743372, ClinGen allele CA561663.